The following is an entry in ClinVar:

ClinVar aggregate classification (germline): Conflicting classifications of pathogenicity. Review status: criteria provided, conflicting classifications (1 of 4 stars). 5 submissions from 5 submitters: Uncertain significance (2); Benign (2); Likely benign (1). Last evaluated 2026-06-15.

Conditions:
Ehlers-Danlos syndrome, dermatosparaxis type. Also called: Dermatosparaxis; Ehlers-Danlos syndrome, type VII, autosomal recessive; EDS VIIC. Identifiers: Orphanet 1901, MedGen C2700425, MONDO:0009161, OMIM 225410.
Ehlers-Danlos syndrome (EDS). Identifiers: Orphanet 98249, MedGen C0013720, MONDO:0020066.

Submissions (5):

Women's Health and Genetics/Laboratory Corporation of America, LabCorp
Classification: Uncertain significance. Last evaluated: 2026-06-15. Review status: criteria provided, single submitter. Criteria: LabCorp Variant Classification Summary - May 2015. Collection method: clinical testing. Allele origin: germline.
Comment: Variant summary: ADAMTS2 c.68_70delTGC (p.Leu23del) results in an in-frame deletion that is predicted to remove one amino acid from the encoded protein. The variant allele was found at a frequency of 0.013 in 1116 control chromosomes. The available data on variant occurrences in the general population are insufficient to allow any conclusion about variant significance. To our knowledge, no occurrence of c.68_70delTGC in individuals affected with ADAMTS2-related conditions and no experimental evidence demonstrating its impact on protein function have been reported. ClinVar contains an entry for this variant (Variation ID: 353148). Based on the evidence outlined above, the variant was classified as uncertain significance.

Labcorp Genetics (formerly Invitae), Labcorp
Classification: Uncertain significance for Ehlers-Danlos syndrome, dermatosparaxis type. Last evaluated: 2025-05-28. Review status: criteria provided, single submitter. Criteria: Invitae Variant Classification Sherloc (09022015). Collection method: clinical testing. Allele origin: germline.
Comment: This variant, c.68_70del, results in the deletion of 1 amino acid(s) of the ADAMTS2 protein (p.Leu23del), but otherwise preserves the integrity of the reading frame. The frequency data for this variant in the population databases is considered unreliable, as metrics indicate poor data quality at this position in the gnomAD database. This variant has not been reported in the literature in individuals affected with ADAMTS2-related conditions. ClinVar contains an entry for this variant (Variation ID: 353148). Experimental studies and prediction algorithms are not available or were not evaluated, and the functional significance of this variant is currently unknown. In summary, the available evidence is currently insufficient to determine the role of this variant in disease. Therefore, it has been classified as a Variant of Uncertain Significance.

Blueprint Genetics
Classification: Likely benign. Last evaluated: 2024-11-22. Review status: criteria provided, single submitter. Criteria: ACMG Guidelines, 2015. Collection method: clinical testing. Allele origin: germline.

Genome Diagnostics Laboratory, The Hospital for Sick Children
Classification: Benign for Ehlers-Danlos syndrome. Last evaluated: 2021-12-13. Review status: criteria provided, single submitter. Criteria: ACMG Guidelines, 2015. Collection method: clinical testing. Allele origin: germline.

GeneDx
Classification: Benign. Last evaluated: 2016-11-09. Review status: criteria provided, single submitter. Criteria: GeneDx Variant Classification (06012015). Collection method: clinical testing. Allele origin: germline. Affected: yes.
Comment: This variant is considered likely benign or benign based on one or more of the following criteria: it is a conservative change, it occurs at a poorly conserved position in the protein, it is predicted to be benign by multiple in silico algorithms, and/or has population frequency not consistent with disease.

NM_014244.5(ADAMTS2):c.47TGC[7] (p.Leu23del)

Gene: ADAMTS2 (ADAM metallopeptidase with thrombospondin type 1 motif 2; minus strand). Cytogenetic location: 5q35.3.
Variant type: Microsatellite.
Coding change: c.47TGC[7] on transcript NM_014244.5 (MANE Select); seven copies in a row of the 3-base unit TGC starting at c.47; the reference has eight copies in a row; one copy, 3 bases deleted; also written c.68_70del.
Protein change: p.Leu23del; deletes leucine 23.
Molecular consequence: inframe deletion.
Genome position (GRCh38, 1-based): chr5:179,345,259-179,345,261, GCA deleted on the plus strand (TGC on the coding strand, the reverse complement: ADAMTS2 is on the minus strand); deleting any 3 consecutive bases within chr5:179,345,259-179,345,284 gives the same sequence; the position shown is the placement nearest the transcript's 3' end. VCF-style (leftmost placement, unchanged base first): chr5-179345258-GGCA-G. GRCh37 (hg19) VCF-style: chr5-178772259-GGCA-G.
Other names: c.68_70del (NM_014244.4); c.47TGC[7], p.Leu23del (NM_021599.4); c.68_70delTGC (NM_014244.5); short protein forms L23del.
Identifiers: ClinVar variation 353148 (VCV000353148.14), dbSNP rs568040559, ClinGen allele CA3596393.